The following is an entry in ClinVar:

NM_000051.4(ATM):c.2786T>G (p.Met929Arg)

Gene: ATM (ATM serine/threonine kinase; plus strand). Cytogenetic location: 11q22.3.
Variant type: single nucleotide variant.
Coding change: c.2786T>G on transcript NM_000051.4 (MANE Select); coding-DNA position 2786, T replaced by G.
Protein change: p.Met929Arg; replaces methionine 929 with arginine.
Molecular consequence: missense variant.
Genome position (GRCh38, 1-based): chr11:108,268,557, T>G. VCF-style: chr11-108268557-T-G. GRCh37 (hg19) VCF-style: chr11-108139284-T-G.
Other names: c.2786T>G, p.Met929Arg (NM_001351834.2); short protein forms M929R.
Identifiers: ClinVar variation 453433 (VCV000453433.8), dbSNP rs745737218, ClinGen allele CA382545588.

ClinVar aggregate classification (germline): Uncertain significance. Review status: criteria provided, multiple submitters, no conflicts (2 of 4 stars). 2 submissions from 2 submitters: Uncertain significance (2). Last evaluated 2025-12-18.

Conditions:
Hereditary cancer-predisposing syndrome. Also called: Neoplastic Syndromes, Hereditary; Tumor predisposition; Hereditary neoplastic syndrome; Hereditary Cancer Syndrome. Identifiers: Orphanet 140162, MedGen C0027672, MeSH D009386, MONDO:0015356.
Ataxia-telangiectasia syndrome (AT). Also called: Ataxia-telangiectasia, complementation group D; Ataxia-telangiectasia, complementation group E; AT, COMPLEMENTATION GROUP C; ATAXIA-TELANGIECTASIA, COMPLEMENTATION GROUP A; ATAXIA-TELANGIECTASIA, FRESNO VARIANT; Ataxia-telangiectasia. Identifiers: Orphanet 100, MedGen C0004135, MONDO:0008840, OMIM 208900.

Submissions (2):

Ambry Genetics
Classification: Uncertain significance for Hereditary cancer-predisposing syndrome. Last evaluated: 2025-12-18. Review status: criteria provided, single submitter. Criteria: Ambry Variant Classification Scheme 2023. Collection method: clinical testing. Allele origin: germline.
Comment: The p.M929R variant (also known as c.2786T>G), located in coding exon 17 of the ATM gene, results from a T to G substitution at nucleotide position 2786. The methionine at codon 929 is replaced by arginine, an amino acid with similar properties. This amino acid position is conserved. In addition, this alteration is predicted to be tolerated by in silico analysis. Based on the available evidence, the clinical significance of this variant remains unclear.

Labcorp Genetics (formerly Invitae), Labcorp
Classification: Uncertain significance for Ataxia-telangiectasia syndrome. Last evaluated: 2023-11-10. Review status: criteria provided, single submitter. Criteria: Invitae Variant Classification Sherloc (09022015). Collection method: clinical testing. Allele origin: germline.
Comment: This sequence change replaces methionine, which is neutral and non-polar, with arginine, which is basic and polar, at codon 929 of the ATM protein (p.Met929Arg). This variant is not present in population databases (gnomAD no frequency). This variant has not been reported in the literature in individuals affected with ATM-related conditions. ClinVar contains an entry for this variant (Variation ID: 453433). An algorithm developed to predict the effect of missense changes on protein structure and function (PolyPhen-2) suggests that this variant is likely to be tolerated. In summary, the available evidence is currently insufficient to determine the role of this variant in disease. Therefore, it has been classified as a Variant of Uncertain Significance.